The following is an entry in ClinVar:

NM_170784.3(MKKS):c.1057G>A (p.Ala353Thr)

Gene: MKKS (MKKS centrosomal shuttling protein; minus strand). Cytogenetic location: 20p12.2.
Variant type: single nucleotide variant.
Coding change: c.1057G>A on transcript NM_170784.3 (MANE Select); coding-DNA position 1057, G replaced by A.
Protein change: p.Ala353Thr; replaces alanine 353 with threonine.
Molecular consequence: missense variant. On other transcripts: non-coding transcript variant (1).
Genome position (GRCh38, 1-based): chr20:10,408,732, C>T on the plus strand (G>A on the coding strand, the complement: MKKS is on the minus strand). VCF-style: chr20-10408732-C-T. GRCh37 (hg19) VCF-style: chr20-10389380-C-T.
Other names: c.1057G>A, p.Ala353Thr (NM_018848.3); short protein forms A353T.
Identifiers: ClinVar variation 897430 (VCV000897430.11), dbSNP rs1401483166, ClinGen allele CA408231761.

ClinVar aggregate classification (germline): Uncertain significance. Review status: criteria provided, multiple submitters, no conflicts (2 of 4 stars). 4 submissions from 3 submitters: Uncertain significance (3). 1 of the submissions does not count toward it. Last evaluated 2025-02-17.

Conditions:
Retinal dystrophy. Also called: Inherited retinal dystrophy. Identifiers: Orphanet 71862, MedGen C0854723, MeSH D058499, MONDO:0019118, HP:0000556.
Bardet-Biedl syndrome (BBS). Identifiers: Orphanet 110, MedGen C0752166, MONDO:0015229.
McKusick-Kaufman syndrome (MKKS). Also called: HYDROMETROCOLPOS SYNDROME; HYDROMETROCOLPOS, POSTAXIAL POLYDACTYLY, AND CONGENITAL HEART MALFORMATION. Identifiers: Orphanet 2473, MedGen C0948368, MONDO:0009367, OMIM 236700.
Bardet-Biedl syndrome 6 (BBS6). Identifiers: Orphanet 110, MedGen C1858054, MONDO:0011523, OMIM 605231.

Allele frequency attached by ClinVar (database versions not stated): gnomAD exomes below 0.00001; gnomAD 0.00001; TOPMed 0.00001.

Submissions (4):

Labcorp Genetics (formerly Invitae), Labcorp
Classification: Uncertain significance for McKusick-Kaufman syndrome; Bardet-Biedl syndrome. Last evaluated: 2025-02-17. Review status: criteria provided, single submitter. Criteria: Invitae Variant Classification Sherloc (09022015). Collection method: clinical testing. Allele origin: germline.
Comment: This sequence change replaces alanine, which is neutral and non-polar, with threonine, which is neutral and polar, at codon 353 of the MKKS protein (p.Ala353Thr). This variant is not present in population databases (gnomAD no frequency). This variant has not been reported in the literature in individuals affected with MKKS-related conditions. ClinVar contains an entry for this variant (Variation ID: 897430). Invitae Evidence Modeling of protein sequence and biophysical properties (such as structural, functional, and spatial information, amino acid conservation, physicochemical variation, residue mobility, and thermodynamic stability) indicates that this missense variant is not expected to disrupt MKKS protein function with a negative predictive value of 95%. In summary, the available evidence is currently insufficient to determine the role of this variant in disease. Therefore, it has been classified as a Variant of Uncertain Significance.

Illumina Laboratory Services, Illumina
Classification: Uncertain significance for McKusick-Kaufman syndrome. Last evaluated: 2018-01-12. Review status: criteria provided, single submitter. Criteria: ICSL Variant Classification Criteria 13 December 2019. Collection method: clinical testing. Allele origin: germline.

Illumina Laboratory Services, Illumina
Classification: Uncertain significance for Bardet-Biedl syndrome 6. Last evaluated: 2018-01-12. Review status: criteria provided, single submitter. Criteria: ICSL Variant Classification Criteria 13 December 2019. Collection method: clinical testing. Allele origin: germline.

Institute of Human Genetics, Univ. Regensburg, Univ. Regensburg
Classification: Uncertain significance for Retinal dystrophy. Last evaluated: 2023-01-01. Review status: no assertion criteria provided. Criteria: ACMG Guidelines, 2015. Collection method: clinical testing. Allele origin: germline. Affected: yes. Not counted in ClinVar's aggregate classification.